The following is an entry in ClinVar:

ClinVar aggregate classification (germline): Uncertain significance (1 of 4 stars; one submission).

Allele frequency attached by ClinVar (database versions not stated): gnomAD 0.00005 and 0.00006; TOPMed 0.00007.
gnomAD v4.1: 109 of 1,609,708 alleles (0.0068%); highest among the groups gnomAD compares: Non-Finnish European, 0.0092%; no homozygotes.

Submission:

Labcorp Genetics (formerly Invitae), Labcorp
Classification: Uncertain significance. Last evaluated: 2026-01-11. Review status: criteria provided, single submitter. Criteria: Invitae Variant Classification Sherloc (09022015). Collection method: clinical testing. Allele origin: germline.
Comment: This sequence change replaces cysteine, which is neutral and slightly polar, with glycine, which is neutral and non-polar, at codon 211 of the TNFRSF6B protein (p.Cys211Gly). This variant is present in population databases (rs776031713, gnomAD 0.005%). This variant has not been reported in the literature in individuals affected with TNFRSF6B-related conditions. ClinVar contains an entry for this variant (Variation ID: 1484373). An algorithm developed to predict the effect of missense changes on protein structure and function (PolyPhen-2) suggests that this variant is likely to be disruptive. In summary, the available evidence is currently insufficient to determine the role of this variant in disease. Therefore, it has been classified as a Variant of Uncertain Significance.

NM_003823.4(TNFRSF6B):c.631T>G (p.Cys211Gly)

Genes: RTEL1-TNFRSF6B (RTEL1-TNFRSF6B readthrough (NMD candidate); plus strand), TNFRSF6B (TNF receptor superfamily member 6b; plus strand). Cytogenetic location: 20q13.33.
Variant type: single nucleotide variant.
Coding change: c.631T>G on transcript NM_003823.4 (MANE Select); coding-DNA position 631, T replaced by G.
Protein change: p.Cys211Gly; replaces cysteine 211 with glycine.
Molecular consequence: missense variant. On other transcripts: non-coding transcript variant (1).
Genome position (GRCh38, 1-based): chr20:63,698,291, T>G. VCF-style: chr20-63698291-T-G. GRCh37 (hg19) VCF-style: chr20-62329644-T-G.
Other names: short protein forms C211G.
Identifiers: ClinVar variation 1484373 (VCV001484373.4), dbSNP rs776031713, ClinGen allele CA9966536.